The following is an entry in ClinVar:

ClinVar aggregate classification (germline): Pathogenic (1 of 4 stars; one submission).

Conditions:
Familial focal epilepsy with variable foci (FPEVF). Identifiers: Orphanet 98820, MedGen C1858477, MONDO:0020310.

Submission:

Labcorp Genetics (formerly Invitae), Labcorp
Classification: Pathogenic for Familial focal epilepsy with variable foci. Last evaluated: 2022-03-22. Review status: criteria provided, single submitter. Criteria: Invitae Variant Classification Sherloc (09022015). Collection method: clinical testing. Allele origin: germline.
Comment: This variant is not present in population databases (gnomAD no frequency). This sequence change creates a premature translational stop signal (p.Glu1474*) in the DEPDC5 gene. It is expected to result in an absent or disrupted protein product. Loss-of-function variants in DEPDC5 are known to be pathogenic (PMID: 23542697, 23542701). This variant has not been reported in the literature in individuals affected with DEPDC5-related conditions. For these reasons, this variant has been classified as Pathogenic. Algorithms developed to predict the effect of sequence changes on RNA splicing suggest that this variant may disrupt the consensus splice site.

Literature cited by the submitters: PubMed 23542697; PubMed 23542701.

NM_001242896.3(DEPDC5):c.4420G>T (p.Glu1474Ter)

Gene: DEPDC5 (DEP domain containing 5, GATOR1 subcomplex subunit; plus strand). Cytogenetic location: 22q12.3.
Variant type: single nucleotide variant.
Coding change: c.4420G>T on transcript NM_001242896.3 (MANE Select); coding-DNA position 4420, G replaced by T.
Protein change: p.Glu1474Ter; replaces glutamic acid 1474 with a stop codon.
Molecular consequence: nonsense. On other transcripts: non-coding transcript variant (5).
Genome position (GRCh38, 1-based): chr22:31,901,786, G>T. VCF-style: chr22-31901786-G-T. GRCh37 (hg19) VCF-style: chr22-32297772-G-T.
Other names: c.4393G>T, p.Glu1465Ter (NM_001136029.4); c.4120G>T, p.Glu1374Ter (NM_001242897.2); c.4354G>T, p.Glu1452Ter (NM_001363852.2, NM_001364320.2); c.4186G>T, p.Glu1396Ter (NM_001363854.2, NM_001364319.2); c.4420G>T, p.Glu1474Ter (NM_001364318.2); c.4336G>T, p.Glu1446Ter (NM_001369901.1, NM_001369902.1); c.4327G>T, p.Glu1443Ter (NM_001369903.1, NM_014662.6); short protein forms E1374*, E1446*, E1465*, E1474*, E1452*, E1396*, E1443*.
Identifiers: ClinVar variation 2102977 (VCV002102977.4), dbSNP rs2523432173, ClinGen allele CA411290487.